The following is an entry in ClinVar:

ClinVar aggregate classification (germline): Uncertain significance (1 of 4 stars; one submission).

Conditions:
DICER1-related tumor predisposition. Also called: DICER1 syndrome; DICER1-related pleuropulmonary blastoma cancer predisposition syndrome. Identifiers: Orphanet 284343, MedGen C3839822, MONDO:0100216.

Submission:

Labcorp Genetics (formerly Invitae), Labcorp
Classification: Uncertain significance for DICER1-related tumor predisposition. Last evaluated: 2020-11-16. Review status: criteria provided, single submitter. Criteria: Invitae Variant Classification Sherloc (09022015). Collection method: clinical testing. Allele origin: germline.
Comment: This sequence change replaces serine with leucine at codon 411 of the DICER1 protein (p.Ser411Leu). The serine residue is highly conserved and there is a large physicochemical difference between serine and leucine. This variant is not present in population databases (ExAC no frequency). This variant has not been reported in the literature in individuals with DICER1-related conditions. Algorithms developed to predict the effect of missense changes on protein structure and function are either unavailable or do not agree on the potential impact of this missense change (SIFT: "Tolerated"; PolyPhen-2: "Probably Damaging"; Align-GVGD: "Class C0"). In summary, the available evidence is currently insufficient to determine the role of this variant in disease. Therefore, it has been classified as a Variant of Uncertain Significance.

NM_177438.3(DICER1):c.1232C>T (p.Ser411Leu)

Gene: DICER1 (dicer 1, ribonuclease III; minus strand). Cytogenetic location: 14q32.13.
Variant type: single nucleotide variant.
Coding change: c.1232C>T on transcript NM_177438.3 (MANE Select); coding-DNA position 1232, C replaced by T.
Protein change: p.Ser411Leu; replaces serine 411 with leucine.
Molecular consequence: missense variant.
Genome position (GRCh38, 1-based): chr14:95,124,340, G>A on the plus strand (C>T on the coding strand, the complement: DICER1 is on the minus strand). VCF-style: chr14-95124340-G-A. GRCh37 (hg19) VCF-style: chr14-95590677-G-A.
Other names: c.1232C>T, p.Ser411Leu (NM_001195573.1, NM_001271282.3, NM_001291628.2 and 1 more transcripts); short protein forms S411L.
Identifiers: ClinVar variation 1056445 (VCV001056445.10), dbSNP rs1893201715, ClinGen allele CA390886584.
Genomic context (GRCh38, chr14:95,124,340, plus strand): 5'-TCTGGCTTCTCTTTTTCTTCAATTTCTTCATCCTCATCATCATCCTCAGAATCACTCCAT[G>A]ACACATAATTATCCTGATTTCTATTATTATACCACTCAACGCTTTCAAACTGCTGTCGCT-3'
Protein context (NP_803187.1, residues 401-421): YNNRNQDNYV[Ser411Leu]WSDSEDDDED